The following is an entry in ClinVar:

ClinVar aggregate classification (germline): Uncertain significance. Review status: criteria provided, multiple submitters, no conflicts (2 of 4 stars). 2 submissions from 2 submitters: Uncertain significance (2). Last evaluated 2025-04-19.

Conditions:
Inborn genetic diseases. Identifiers: MedGen C0950123, MeSH D030342.

Allele frequency attached by ClinVar (database versions not stated): TOPMed 0.00002; gnomAD 0.00003; gnomAD exomes below 0.00001; ExAC 0.00001; ESP Exome Variant Server 0.00009.
gnomAD v4.1: 9 of 1,207,586 alleles (0.00075%); highest among the groups gnomAD compares: African/African-American, 0.007%; no homozygotes.

Submissions (2):

Labcorp Genetics (formerly Invitae), Labcorp
Classification: Uncertain significance. Last evaluated: 2025-04-19. Review status: criteria provided, single submitter. Criteria: Invitae Variant Classification Sherloc (09022015). Collection method: clinical testing. Allele origin: germline.
Comment: This sequence change replaces arginine, which is basic and polar, with cysteine, which is neutral and slightly polar, at codon 1825 of the CACNA1F protein (p.Arg1825Cys). This variant is present in population databases (rs368042608, gnomAD 0.01%). This variant has not been reported in the literature in individuals affected with CACNA1F-related conditions. ClinVar contains an entry for this variant (Variation ID: 3136350). An algorithm developed to predict the effect of missense changes on protein structure and function outputs the following: PolyPhen-2: "Benign". The cysteine amino acid residue is found in multiple mammalian species, which suggests that this missense change does not adversely affect protein function. In summary, the available evidence is currently insufficient to determine the role of this variant in disease. Therefore, it has been classified as a Variant of Uncertain Significance.

Ambry Genetics
Classification: Uncertain significance for Inborn genetic diseases. Last evaluated: 2023-10-05. Review status: criteria provided, single submitter. Criteria: Ambry Variant Classification Scheme 2023. Collection method: clinical testing. Allele origin: germline.

NM_001256789.3(CACNA1F):c.5440C>T (p.Arg1814Cys)

Gene: CACNA1F (calcium voltage-gated channel subunit alpha1 F; minus strand). Cytogenetic location: Xp11.23.
Variant type: single nucleotide variant.
Coding change: c.5440C>T on transcript NM_001256789.3 (MANE Select); coding-DNA position 5440, C replaced by T.
Protein change: p.Arg1814Cys; replaces arginine 1814 with cysteine.
Molecular consequence: missense variant.
Genome position (GRCh38, 1-based): chrX:49,206,543, G>A on the plus strand (C>T on the coding strand, the complement: CACNA1F is on the minus strand). VCF-style: chrX-49206543-G-A. GRCh37 (hg19) VCF-style: chrX-49063004-G-A.
Other names: c.5278C>T, p.Arg1760Cys (NM_001256790.3); c.5473C>T, p.Arg1825Cys (NM_005183.4); short protein forms R1814C, R1825C, R1760C.
Identifiers: ClinVar variation 3136350 (VCV003136350.3), dbSNP rs368042608, ClinGen allele CA10409979.
Genomic context (GRCh38, chrX:49,206,543, plus strand): 5'-GACCCCAGCACCACCTCCACAGCCTCACCTGAGCCCTATTGGGCCCTGAATTTCGCCCAC[G>A]ATGATAGGTGCCTGGGATGGGTAAATCCTCACAACTGCCCTGGCGCTGCAGACACTGGAT-3'
Protein context (NP_001243718.1, residues 1804-1824): EDLPIPGTYH[Arg1814Cys]GRNSGPNRAQ